The following is an entry in ClinVar:

NM_012330.4(KAT6B):c.5788G>A (p.Ala1930Thr)

Gene: KAT6B (lysine acetyltransferase 6B; plus strand). Cytogenetic location: 10q22.2.
Variant type: single nucleotide variant.
Coding change: c.5788G>A on transcript NM_012330.4 (MANE Select); coding-DNA position 5788, G replaced by A.
Protein change: p.Ala1930Thr; replaces alanine 1930 with threonine.
Molecular consequence: missense variant.
Genome position (GRCh38, 1-based): chr10:75,030,612, G>A. VCF-style: chr10-75030612-G-A. GRCh37 (hg19) VCF-style: chr10-76790370-G-A.
Other names: c.4912G>A, p.Ala1638Thr (NM_001370139.1, NM_001370140.1, NM_001370141.1 and 2 more transcripts); c.4723G>A, p.Ala1575Thr (NM_001370143.1, NM_001370144.1); c.5239G>A, p.Ala1747Thr (NM_001256468.2, NM_001370138.1); c.4750G>A, p.Ala1584Thr (NM_001370132.1); c.4099G>A, p.Ala1367Thr (NM_001370133.1); c.3703G>A, p.Ala1235Thr (NM_001370134.1); c.3445G>A, p.Ala1149Thr (NM_001370135.1); c.5788G>A, p.Ala1930Thr (NM_001370136.1, NM_001370137.1); short protein forms A1575T, A1638T, A1235T, A1367T, A1930T, A1149T, A1747T, A1584T.
Identifiers: ClinVar variation 2147886 (VCV002147886.5), dbSNP rs2549215061, ClinGen allele CA377302175.

ClinVar aggregate classification (germline): Uncertain significance. Review status: criteria provided, multiple submitters, no conflicts (2 of 4 stars). 2 submissions from 2 submitters: Uncertain significance (2). Last evaluated 2025-05-06.

Conditions:
Genitopatellar syndrome (GTPTS). Also called: Genitopatellar syndrome (GPS); ABSENT PATELLAE, SCROTAL HYPOPLASIA, RENAL ANOMALIES, FACIAL DYSMORPHISM, AND MENTAL RETARDATION. Identifiers: Orphanet 85201, MedGen C1853566, MONDO:0011640, OMIM 606170.

Allele frequency attached by ClinVar (database versions not stated): gnomAD exomes below 0.00001.
gnomAD v4.1: 3 of 1,612,952 alleles (0.00019%); highest among the groups gnomAD compares: Non-Finnish European, 0.00025%; no homozygotes.

Submissions (2):

Women's Health and Genetics/Laboratory Corporation of America, LabCorp
Classification: Uncertain significance. Last evaluated: 2025-05-06. Review status: criteria provided, single submitter. Criteria: LabCorp Variant Classification Summary - May 2015. Collection method: clinical testing. Allele origin: germline.
Comment: Variant summary: KAT6B c.5788G>A (p.Ala1930Thr) results in a non-conservative amino acid change in the encoded protein sequence. Algorithms developed to predict the effect of missense changes on protein structure and function are either unavailable or do not agree on the potential impact of this missense change. The variant was absent in 251220 control chromosomes. The available data on variant occurrences in the general population are insufficient to allow any conclusion about variant significance. To our knowledge, no occurrence of c.5788G>A in individuals affected with KAT6B-Related Spectrum Disorders and no experimental evidence demonstrating its impact on protein function have been reported. ClinVar contains an entry for this variant (Variation ID: 2147886). Based on the evidence outlined above, the variant was classified as uncertain significance.

Labcorp Genetics (formerly Invitae), Labcorp
Classification: Uncertain significance for Genitopatellar syndrome. Last evaluated: 2025-04-11. Review status: criteria provided, single submitter. Criteria: Invitae Variant Classification Sherloc (09022015). Collection method: clinical testing. Allele origin: germline.
Comment: This sequence change replaces alanine, which is neutral and non-polar, with threonine, which is neutral and polar, at codon 1930 of the KAT6B protein (p.Ala1930Thr). This variant is not present in population databases (gnomAD no frequency). This variant has not been reported in the literature in individuals affected with KAT6B-related conditions. ClinVar contains an entry for this variant (Variation ID: 2147886). An algorithm developed to predict the effect of missense changes on protein structure and function (PolyPhen-2) suggests that this variant is likely to be tolerated. In summary, the available evidence is currently insufficient to determine the role of this variant in disease. Therefore, it has been classified as a Variant of Uncertain Significance.